The following is an entry in ClinVar:

NM_000390.4(CHM):c.1166+1G>C

Gene: CHM (CHM Rab escort protein; minus strand). Cytogenetic location: Xq21.2.
Variant type: single nucleotide variant.
Coding change: c.1166+1G>C on transcript NM_000390.4 (MANE Select); the canonical splice donor site of the intron after coding-DNA position 1166, G replaced by C.
Molecular consequence: splice donor variant.
Genome position (GRCh38, 1-based): chrX:85,956,152, C>G on the plus strand (G>C on the coding strand, the complement: CHM is on the minus strand). VCF-style: chrX-85956152-C-G. GRCh37 (hg19) VCF-style: chrX-85211157-C-G.
Other names: c.722+1G>C (NM_001362519.1, NM_001362517.1, NM_001320959.1 and 1 more transcripts).
Identifiers: ClinVar variation 1075553 (VCV001075553.11), dbSNP rs2147662906, ClinGen allele CA413784701.

ClinVar aggregate classification (germline): Pathogenic. Review status: criteria provided, multiple submitters, no conflicts (2 of 4 stars). 2 submissions from 2 submitters: Pathogenic (2). Last evaluated 2021-06-02.

Conditions:
Choroideremia. Also called: Chorioretinal scalloped atrophy. Identifiers: Orphanet 180, MedGen C0008525, MONDO:0010557, OMIM 303100, HP:0001139.

Submissions (2):

DBGen Ocular Genomics
Classification: Pathogenic for Choroideremia. Last evaluated: 2021-06-02. Review status: criteria provided, single submitter. Criteria: ACMG Guidelines, 2015. Collection method: clinical testing. Allele origin: germline. Affected: yes. Observed: 1 variant allele.

Labcorp Genetics (formerly Invitae), Labcorp
Classification: Pathogenic. Last evaluated: 2020-08-15. Review status: criteria provided, single submitter. Criteria: Invitae Variant Classification Sherloc (09022015). Collection method: clinical testing. Allele origin: germline.
Comment: This sequence change affects a donor splice site in intron 8 of the CHM gene. It is expected to disrupt RNA splicing and likely results in an absent or disrupted protein product. This variant is not present in population databases (ExAC no frequency). This variant has been observed in individual(s) with choroideremia (PMID: 30995293). Algorithms developed to predict the effect of sequence changes on RNA splicing suggest that this variant may disrupt the consensus splice site, but this prediction has not been confirmed by published transcriptional studies. Donor and acceptor splice site variants typically lead to a loss of protein function (PMID: 16199547), and loss-of-function variants in CHM are known to be pathogenic (PMID: 9067750, 23811034). For these reasons, this variant has been classified as Pathogenic.

Literature cited by the submitters: PubMed 30995293 (cited by Labcorp Genetics (formerly Invitae), Labcorp); PubMed 16199547 (cited by Labcorp Genetics (formerly Invitae), Labcorp); PubMed 9067750 (cited by Labcorp Genetics (formerly Invitae), Labcorp); PubMed 23811034 (cited by Labcorp Genetics (formerly Invitae), Labcorp).